The following is an entry in ClinVar:

ClinVar aggregate classification (germline): Uncertain significance (1 of 4 stars; one submission).

Submission:

GeneDx
Classification: Uncertain significance. Last evaluated: 2026-03-27. Review status: criteria provided, single submitter. Criteria: GeneDx Variant Classification Process June 2021. Collection method: clinical testing. Allele origin: germline.
Comment: Not observed at significant frequency in large population cohorts (gnomAD); In silico analysis suggests that this missense variant does not alter protein structure/function; Has not been previously published as pathogenic or benign to our knowledge

NM_005251.3(FOXC2):c.471G>C (p.Glu157Asp)

Gene: FOXC2 (forkhead box C2; plus strand). Cytogenetic location: 16q24.1.
Variant type: single nucleotide variant.
Coding change: c.471G>C on transcript NM_005251.3 (MANE Select); coding-DNA position 471, G replaced by C.
Protein change: p.Glu157Asp; replaces glutamic acid 157 with aspartic acid.
Molecular consequence: missense variant.
Genome position (GRCh38, 1-based): chr16:86,567,806, G>C. VCF-style: chr16-86567806-G-C. GRCh37 (hg19) VCF-style: chr16-86601412-G-C.
Other names: short protein forms E157D.
Identifiers: ClinVar variation 5017766 (VCV005017766.1).